The following is an entry in ClinVar:

NM_020975.6(RET):c.2554A>T (p.Ile852Phe)

Gene: RET (ret proto-oncogene; plus strand). Cytogenetic location: 10q11.21.
Variant type: single nucleotide variant.
Coding change: c.2554A>T on transcript NM_020975.6 (MANE Select); coding-DNA position 2554, A replaced by T.
Protein change: p.Ile852Phe; replaces isoleucine 852 with phenylalanine.
Molecular consequence: missense variant.
Genome position (GRCh38, 1-based): chr10:43,119,692, A>T. VCF-style: chr10-43119692-A-T. GRCh37 (hg19) VCF-style: chr10-43615140-A-T.
Other names: c.1657A>T, p.Ile553Phe (NM_001406781.1, NM_001406782.1, NM_001406779.1 and 1 more transcripts); c.1528A>T, p.Ile510Phe (NM_001406783.1, NM_001406786.1); c.1564A>T, p.Ile522Phe (NM_001406784.1); c.1537A>T, p.Ile513Phe (NM_001406785.1); c.1522A>T, p.Ile508Phe (NM_001406787.1); c.1369A>T, p.Ile457Phe (NM_001406788.1, NM_001406789.1, NM_001406790.1); c.2554A>T, p.Ile852Phe (NM_000323.2, NM_001406743.1, NM_001406744.1 and 4 more transcripts); c.1792A>T, p.Ile598Phe (NM_001355216.2); and 10 more; short protein forms I369F, I522F, I706F, I852F, I508F, I677F, I720F, I553F.
Identifiers: ClinVar variation 2075038 (VCV002075038.4), dbSNP rs561276725, ClinGen allele CA376556562.

ClinVar aggregate classification (germline): Uncertain significance (1 of 4 stars; one submission).

Conditions:
Multiple endocrine neoplasia, type 2 (MEN2). Identifiers: Orphanet 653, MedGen C4048306, MONDO:0019003. Disease mechanism: gain of function.

Submission:

Labcorp Genetics (formerly Invitae), Labcorp
Classification: Uncertain significance for Multiple endocrine neoplasia, type 2. Last evaluated: 2022-01-05. Review status: criteria provided, single submitter. Criteria: Invitae Variant Classification Sherloc (09022015). Collection method: clinical testing. Allele origin: germline.
Comment: In summary, the available evidence is currently insufficient to determine the role of this variant in disease. Therefore, it has been classified as a Variant of Uncertain Significance. Algorithms developed to predict the effect of missense changes on protein structure and function are either unavailable or do not agree on the potential impact of this missense change (SIFT: "Deleterious"; PolyPhen-2: "Probably Damaging"; Align-GVGD: "Class C0"). This variant has not been reported in the literature in individuals affected with RET-related conditions. This variant is not present in population databases (gnomAD no frequency). This sequence change replaces isoleucine, which is neutral and non-polar, with phenylalanine, which is neutral and non-polar, at codon 852 of the RET protein (p.Ile852Phe).